The following is an entry in ClinVar:

ClinVar aggregate classification (germline): Uncertain significance. Review status: criteria provided, multiple submitters, no conflicts (2 of 4 stars). 2 submissions from 2 submitters: Uncertain significance (2). Last evaluated 2025-09-25.

Allele frequency attached by ClinVar (database versions not stated): TOPMed below 0.00001; ExAC 0.00001; gnomAD 0.00001; gnomAD exomes 0.00003.
gnomAD v4.1: 42 of 1,612,900 alleles (0.0026%); highest among the groups gnomAD compares: Non-Finnish European, 0.0031%; no homozygotes.

Submissions (2):

Ambry Genetics
Classification: Uncertain significance. Last evaluated: 2025-09-25. Review status: criteria provided, single submitter. Criteria: Ambry Variant Classification Scheme 2023. Collection method: clinical testing. Allele origin: germline.

Labcorp Genetics (formerly Invitae), Labcorp
Classification: Uncertain significance. Last evaluated: 2024-11-16. Review status: criteria provided, single submitter. Criteria: Invitae Variant Classification Sherloc (09022015). Collection method: clinical testing. Allele origin: germline.
Comment: This sequence change replaces asparagine, which is neutral and polar, with serine, which is neutral and polar, at codon 4296 of the HMCN1 protein (p.Asn4296Ser). This variant is present in population databases (rs766315627, gnomAD 0.002%). This variant has not been reported in the literature in individuals affected with HMCN1-related conditions. ClinVar contains an entry for this variant (Variation ID: 2457564). An algorithm developed to predict the effect of missense changes on protein structure and function (PolyPhen-2) suggests that this variant is likely to be disruptive. In summary, the available evidence is currently insufficient to determine the role of this variant in disease. Therefore, it has been classified as a Variant of Uncertain Significance.

NM_031935.3(HMCN1):c.12887A>G (p.Asn4296Ser)

Gene: HMCN1 (hemicentin 1; plus strand). Cytogenetic location: 1q31.1.
Variant type: single nucleotide variant.
Coding change: c.12887A>G on transcript NM_031935.3 (MANE Select); coding-DNA position 12887, A replaced by G.
Protein change: p.Asn4296Ser; replaces asparagine 4296 with serine.
Molecular consequence: missense variant.
Genome position (GRCh38, 1-based): chr1:186,128,274, A>G. VCF-style: chr1-186128274-A-G. GRCh37 (hg19) VCF-style: chr1-186097406-A-G.
Other names: short protein forms N4296S.
Identifiers: ClinVar variation 2457564 (VCV002457564.6), dbSNP rs766315627, ClinGen allele CA1294473.